The following is an entry in ClinVar:

ClinVar aggregate classification (germline): Uncertain significance. Review status: reviewed by expert panel (3 of 4 stars). 8 submissions from 8 submitters: Uncertain significance (1). 7 of the submissions do not count toward it. Last evaluated 2025-05-21.

Conditions:
Usher syndrome. Also called: Usher Syndromes; Usher's syndrome. Identifiers: Orphanet 886, MedGen CN469326, MeSH D052245, MONDO:0019501. Disease mechanism: loss of function.
Usher syndrome type 2A. Also called: USHER SYNDROME, TYPE IIA; RETINAL DISEASE IN USHER SYNDROME TYPE IIA, MODIFIER OF. Identifiers: Orphanet 231178, Orphanet 886, MedGen C1848634, MONDO:0010169, OMIM 276901.

Allele frequency attached by ClinVar (database versions not stated): ExAC 0.00008; ESP Exome Variant Server 0.00008; gnomAD exomes 0.00009 and 0.00013; 1000 Genomes Project 30x 0.00016; 1000 Genomes Project 0.00020; TOPMed 0.00020; gnomAD 0.00021 and 0.00023.
gnomAD v4.1: 172 of 1,613,562 alleles (0.011%); highest among the groups gnomAD compares: Admixed American, 0.08%; no homozygotes.

Submissions (8):

ClinGen Hearing Loss Variant Curation Expert Panel
Classification: Uncertain significance for Usher syndrome. Last evaluated: 2025-05-21. Review status: reviewed by expert panel. Criteria: Clingen Hl Acmg Specifications Cdh23 Coch Gjb2 Kcnq4 Myo6 Myo7a Slc26a4 Tecta Ush2a V2. Collection method: curation. Allele origin: germline. Inheritance: Autosomal recessive inheritance.
Comment: The c.5039A>G (p.Lys1680Arg) variant in USH2A is a missense variant that replaces lysine with arginine at codon 1680. (Add gnomad information) The REVEL score for this variant is 0.252, which does not meet the threshold for PP3. This variant has been observed in the homozygous state in one individual with a clinical diagnosis of Usher syndrome (PMID: 36909829), meeting PM3_Supporting. The phenotype observed is highly specific for Usher syndrome, meeting PP4. In summary, this variant meets criteria to be classified as uncertain significance for autosomal recessive Usher syndrome based on the ACMG/AMP criteria applied, as specified by the ClinGen Hearing Loss VCEP: PM3_Supporting, PP4. (ClinGen Hearing Loss VCEP specifications version 2; 5/21/2025)

Labcorp Genetics (formerly Invitae), Labcorp
Classification: Likely benign. Last evaluated: 2026-01-20. Review status: criteria provided, single submitter. Criteria: Invitae Variant Classification Sherloc (09022015). Collection method: clinical testing. Allele origin: germline. Not counted in ClinVar's aggregate classification.

Blueprint Genetics
Classification: Uncertain significance. Last evaluated: 2024-04-18. Review status: criteria provided, single submitter. Criteria: ACMG Guidelines, 2015. Collection method: clinical testing. Allele origin: germline. Not counted in ClinVar's aggregate classification.

Ophthalmic Genetics Group, Institute of Molecular and Clinical Ophthalmology Basel
Classification: Uncertain significance for Usher syndrome. Last evaluated: 2023-07-24. Review status: criteria provided, single submitter. Criteria: ACMG Guidelines, 2015. Collection method: research. Allele origin: germline. Affected: yes. Observed: 1 variant allele. Not counted in ClinVar's aggregate classification.
Comment: Clinical significance based on ACMG v2.0

This variant was classified as Uncertain significance based on ACMG criteria: PM2, PM1.

GeneDx
Classification: Uncertain significance. Last evaluated: 2022-09-09. Review status: criteria provided, single submitter. Criteria: GeneDx Variant Classification Process June 2021. Collection method: clinical testing. Allele origin: germline. Affected: yes. Not counted in ClinVar's aggregate classification.
Comment: Classified as a variant of uncertain significance by the ClinGen Hearing Loss Expert Panel (ClinVar SCV001334309.1; Oza et al., 2018); In silico analysis supports that this missense variant does not alter protein structure/function; Has not been previously published as pathogenic or benign to our knowledge; This variant is associated with the following publications: (PMID: 30311386)

Laboratory for Molecular Medicine, Mass General Brigham Personalized Medicine
Classification: Uncertain significance. Last evaluated: 2017-08-10. Review status: criteria provided, single submitter. Criteria: LMM Criteria. Collection method: clinical testing. Allele origin: germline. Observed: 2 variant alleles. Not counted in ClinVar's aggregate classification.
Comment: Variant classified as Uncertain Significance - Favor Benign. This variant has been identified in 2 0/34268 Latino chromosomes by the Genome Aggregation Database (gnomAD; dbSNP rs150982499). Although this variant has been see n in the general population, its frequency is not high enough to rule out a path ogenic role. Computational prediction tools and conservation analyses suggest th at this variant may not impact the protein, though this information is not predi ctive enough to rule out pathogenicity. In summary, while the clinical significa nce of the p.Lys1680Arg variant is uncertain, available data suggest that it is more likely to be benign.

Eurofins Ntd Llc (ga)
Classification: Uncertain significance. Last evaluated: 2015-01-22. Review status: criteria provided, single submitter. Criteria: EGL Classification Definitions 2015. Collection method: clinical testing. Allele origin: germline. Observed: 1 variant allele, 1 heterozygote. Not counted in ClinVar's aggregate classification.

Natera, Inc.
Classification: Uncertain significance for Usher syndrome type 2A. Last evaluated: 2020-09-16. Review status: no assertion criteria provided. Collection method: clinical testing. Allele origin: germline. Not counted in ClinVar's aggregate classification.

Literature cited by the submitters: PubMed 36909829 (cited by Ophthalmic Genetics Group, Institute of Molecular and Clinical Ophthalmology Basel).

NM_206933.4(USH2A):c.5039A>G (p.Lys1680Arg)

Genes: USH2A (usherin; minus strand), USH2A-AS2 (USH2A antisense RNA 2; plus strand). Cytogenetic location: 1q41.
Variant type: single nucleotide variant.
Coding change: c.5039A>G on transcript NM_206933.4 (MANE Select); coding-DNA position 5039, A replaced by G.
Protein change: p.Lys1680Arg; replaces lysine 1680 with arginine.
Molecular consequence: missense variant.
Genome position (GRCh38, 1-based): chr1:216,084,826, T>C on the plus strand (A>G on the coding strand, the complement: USH2A is on the minus strand). VCF-style: chr1-216084826-T-C. GRCh37 (hg19) VCF-style: chr1-216258168-T-C.
Other names: NM_206933.2(USH2A):c.5039A>G(p.Lys1680Arg); NM_206933.2(USH2A):c.5039A>G; NP_996816.3:p.(Lys1680Arg); short protein forms K1680R.
Identifiers: ClinVar variation 166499 (VCV000166499.24), dbSNP rs150982499, ClinGen allele CA179559.
Genomic context (GRCh38, chr1:216,084,826, plus strand): 5'-ATTTGTTCTTCAGAACTCTGCCAATCCAGAGGTTCCCAAATAGCTGACGGATTGTAATTC[T>C]TCATAAAATGTACATCCTTGAGACAGCCCACAAAACCTTTTTGGATTATCTCTGCAGGAG-3'
Protein context (NP_996816.3, residues 1670-1690): VGCLKDVHFM[Lys1680Arg]NYNPSAIWEP